The following is an entry in ClinVar:

NM_153717.3(EVC):c.1971del (p.Thr658fs)

Gene: EVC (EvC ciliary complex subunit 1; plus strand). Cytogenetic location: 4p16.2.
Variant type: Deletion.
Coding change: c.1971del on transcript NM_153717.3 (MANE Select); coding-DNA position 1971, one base deleted (C; older notation c.1971delC).
Protein change: p.Thr658fs; shifts the reading frame from threonine 658.
Molecular consequence: frameshift variant.
Genome position (GRCh38, 1-based): chr4:5,797,106, C deleted; the last of 2 consecutive C bases (chr4:5,797,105-5,797,106); deleting either gives the same sequence. VCF-style (leftmost placement, unchanged base first): chr4-5797104-GC-G. GRCh37 (hg19) VCF-style: chr4-5798831-GC-G.
Other names: c.1971del, p.Thr658fs (NM_001306090.2); short protein forms T658fs.
Identifiers: ClinVar variation 1451565 (VCV001451565.8), dbSNP rs2152340509, ClinGen allele CA2573138282.
Genomic context (GRCh38, chr4:5,797,104, plus strand): 5'-GGGCATGACCTGCTGTTGCGCTCAGCCCTCCGGAGGCTGGCACTCCGCGGCAACGCCCTG[GC>G]CACCCTGACGCAGATGCGGCTATCGGGGAAGAAGCACCTCCTGCAGGAGCTGCGGGAACA-3'

ClinVar aggregate classification (germline): Pathogenic/Likely pathogenic. Review status: criteria provided, multiple submitters, no conflicts (2 of 4 stars). 2 submissions from 2 submitters: Pathogenic (1); Likely pathogenic (1). Last evaluated 2024-03-18.

Conditions:
EVC-related disorder. Also called: EVC-related disorders; EVC-related condition.
Curry-Hall syndrome (WAD). Also called: WEYERS ACRODENTAL DYSOSTOSIS. Identifiers: Orphanet 952, MedGen C0457013, MONDO:0008673, OMIM 193530.
Ellis-van Creveld syndrome (EVC). Also called: Chondroectodermal dysplasia; MESOECTODERMAL DYSPLASIA. Identifiers: Orphanet 289, MedGen C0013903, MONDO:0009162, OMIM 225500.

Submissions (2):

Blueprint Genetics
Classification: Likely pathogenic for EVC-related disorders. Last evaluated: 2024-03-18. Review status: criteria provided, single submitter. Criteria: ACMG Guidelines, 2015. Collection method: clinical testing. Allele origin: germline. Affected: yes. Observed: 2 variant alleles.

Labcorp Genetics (formerly Invitae), Labcorp
Classification: Pathogenic for Curry-Hall syndrome; Ellis-van Creveld syndrome. Last evaluated: 2021-11-26. Review status: criteria provided, single submitter. Criteria: Invitae Variant Classification Sherloc (09022015). Collection method: clinical testing. Allele origin: germline.
Comment: For these reasons, this variant has been classified as Pathogenic. This variant has not been reported in the literature in individuals affected with EVC-related conditions. This variant is not present in population databases (gnomAD no frequency). This sequence change creates a premature translational stop signal (p.Thr658Profs*2) in the EVC gene. It is expected to result in an absent or disrupted protein product. Loss-of-function variants in EVC are known to be pathogenic (PMID: 23220543).

Literature cited by the submitters: PubMed 23220543 (cited by Labcorp Genetics (formerly Invitae), Labcorp).